The following is an entry in ClinVar:

ClinVar aggregate classification (germline): Likely benign (1 of 4 stars; one submission).

Conditions:
Wilson disease (WND). Also called: Wilson's disease. Identifiers: Orphanet 905, MedGen C0019202, MONDO:0010200, OMIM 277900. Disease mechanism: loss of function.

Submission:

All of Us Research Program, National Institutes of Health
Classification: Likely benign for Wilson disease. Last evaluated: 2023-08-15. Review status: criteria provided, single submitter. Criteria: ACMG Guidelines, 2015. Collection method: clinical testing. Allele origin: germline. Inheritance: Autosomal recessive inheritance. Observed: 1 variant allele, 1 heterozygote.
Comment: This study involves interpretation of variants in research participants for the purpose of population health screening. Participant phenotype was not available at the time of variant classification. Additional details can be found in publication PMID: 35346344, PMCID: PMC8962531

NM_000053.4(ATP7B):c.2637A>C (p.Ala879=)

Gene: ATP7B (ATPase copper transporting beta; minus strand). Cytogenetic location: 13q14.3.
Variant type: single nucleotide variant.
Coding change: c.2637A>C on transcript NM_000053.4 (MANE Select); coding-DNA position 2637, A replaced by C.
Protein change: p.Ala879=; no amino-acid change (alanine 879 retained).
Molecular consequence: synonymous variant.
Genome position (GRCh38, 1-based): chr13:51,950,100, T>G on the plus strand (A>C on the coding strand, the complement: ATP7B is on the minus strand). VCF-style: chr13-51950100-T-G. GRCh37 (hg19) VCF-style: chr13-52524236-T-G.
Other names: c.2055A>C, p.Ala685= (NM_001406544.1); c.1989A>C, p.Ala663= (NM_001406545.1, NM_001406547.1); c.2151A>C, p.Ala717= (NM_001406546.1, NM_001406541.1, NM_001406542.1 and 1 more transcripts); c.1347A>C, p.Ala449= (NM_001406548.1); c.2385A>C, p.Ala795= (NM_001406540.1, NM_001330579.2, NM_001406531.1 and 1 more transcripts); c.2289A>C, p.Ala763= (NM_001406543.1); c.2304A>C, p.Ala768= (NM_001243182.2); c.2403A>C, p.Ala801= (NM_001330578.2, NM_001406527.1, NM_001406528.1 and 2 more transcripts); and 8 more.
Identifiers: ClinVar variation 3075607 (VCV003075607.1), dbSNP rs2547670983, ClinGen allele CA484024415.